The following is an entry in ClinVar:

NM_000059.4(BRCA2):c.8134G>C (p.Asp2712His)

Gene: BRCA2 (BRCA2 DNA repair associated; plus strand). Cytogenetic location: 13q13.1.
Variant type: single nucleotide variant.
Coding change: c.8134G>C on transcript NM_000059.4 (MANE Select); coding-DNA position 8134, G replaced by C.
Protein change: p.Asp2712His; replaces aspartic acid 2712 with histidine.
Molecular consequence: missense variant.
Genome position (GRCh38, 1-based): chr13:32,363,336, G>C. VCF-style: chr13-32363336-G-C. GRCh37 (hg19) VCF-style: chr13-32937473-G-C.
Other names: c.8134G>C (NM_000059.3); short protein forms D2712H.
Identifiers: ClinVar variation 1438794 (VCV001438794.8), dbSNP rs80359056, ClinGen allele CA387749452.

ClinVar aggregate classification (germline): Conflicting classifications of pathogenicity. Review status: criteria provided, conflicting classifications (1 of 4 stars). 2 submissions from 2 submitters: Uncertain significance (1); Likely benign (1). Last evaluated 2025-05-08.

Conditions:
Hereditary cancer-predisposing syndrome. Also called: Neoplastic Syndromes, Hereditary; Hereditary Cancer Syndrome; Hereditary neoplastic syndrome; Tumor predisposition. Identifiers: Orphanet 140162, MedGen C0027672, MeSH D009386, MONDO:0015356.
Hereditary breast ovarian cancer syndrome. Also called: BRCA1- and BRCA2-Associated Hereditary Breast and Ovarian Cancer; Hereditary breast and ovarian cancer syndrome; Hereditary breast and ovarian cancer; Hereditary breast and ovarian cancer syndrome (HBOC); Breast and ovarian cancer; Hereditary breast and/or ovarian cancer syndrome. Identifiers: Orphanet 145, MedGen C0677776, MeSH D061325, MONDO:0003582. Disease mechanism: loss of function.

Submissions (2):

Ambry Genetics
Classification: Likely benign for Hereditary cancer-predisposing syndrome. Last evaluated: 2025-05-08. Review status: criteria provided, single submitter. Criteria: Ambry Variant Classification Scheme 2023. Collection method: clinical testing. Allele origin: germline.

Labcorp Genetics (formerly Invitae), Labcorp
Classification: Uncertain significance for Hereditary breast ovarian cancer syndrome. Last evaluated: 2021-09-18. Review status: criteria provided, single submitter. Criteria: Invitae Variant Classification Sherloc (09022015). Collection method: clinical testing. Allele origin: germline.
Comment: In summary, the available evidence is currently insufficient to determine the role of this variant in disease. Therefore, it has been classified as a Variant of Uncertain Significance. Advanced modeling of protein sequence and biophysical properties (such as structural, functional, and spatial information, amino acid conservation, physicochemical variation, residue mobility, and thermodynamic stability) performed at Invitae indicates that this missense variant is not expected to disrupt BRCA2 protein function. This variant has not been reported in the literature in individuals affected with BRCA2-related conditions. This variant is not present in population databases (ExAC no frequency). This sequence change replaces aspartic acid with histidine at codon 2712 of the BRCA2 protein (p.Asp2712His). The aspartic acid residue is weakly conserved and there is a moderate physicochemical difference between aspartic acid and histidine.